The following is an entry in ClinVar:

NM_002437.5(MPV17):c.461+17C>A

Gene: MPV17 (mitochondrial inner membrane protein MPV17; minus strand). Cytogenetic location: 2p23.3.
Variant type: single nucleotide variant.
Coding change: c.461+17C>A on transcript NM_002437.5 (MANE Select); 17 bases into the intron after coding-DNA position 461, C replaced by A.
Molecular consequence: intron variant.
Genome position (GRCh38, 1-based): chr2:27,311,882, G>T on the plus strand (C>A on the coding strand, the complement: MPV17 is on the minus strand). VCF-style: chr2-27311882-G-T. GRCh37 (hg19) VCF-style: chr2-27534750-G-T.
Identifiers: ClinVar variation 392498 (VCV000392498.4), dbSNP rs370284261, ClinGen allele CA1575500.

ClinVar aggregate classification (germline): Likely benign. Review status: criteria provided, multiple submitters, no conflicts (2 of 4 stars). 2 submissions from 2 submitters: Likely benign (2). Last evaluated 2024-11-22.

Allele frequency attached by ClinVar (database versions not stated): ExAC 0.00001; gnomAD 0.00001; TOPMed 0.00001; gnomAD exomes 0.00002; ESP Exome Variant Server 0.00008.
gnomAD v4.1: 107 of 1,613,022 alleles (0.0066%); highest among the groups gnomAD compares: Non-Finnish European, 0.0086%; no homozygotes.

Submissions (2):

Labcorp Genetics (formerly Invitae), Labcorp
Classification: Likely benign. Last evaluated: 2024-11-22. Review status: criteria provided, single submitter. Criteria: Invitae Variant Classification Sherloc (09022015). Collection method: clinical testing. Allele origin: germline.

GeneDx
Classification: Likely benign. Last evaluated: 2017-01-10. Review status: criteria provided, single submitter. Criteria: GeneDx Variant Classification (06012015). Collection method: clinical testing. Allele origin: germline. Affected: yes.
Comment: This variant is considered likely benign or benign based on one or more of the following criteria: it is a conservative change, it occurs at a poorly conserved position in the protein, it is predicted to be benign by multiple in silico algorithms, and/or has population frequency not consistent with disease.